The following is an entry in ClinVar:

ClinVar aggregate classification (germline): Uncertain significance (1 of 4 stars; one submission).

Conditions:
Hereditary cancer-predisposing syndrome. Also called: Neoplastic Syndromes, Hereditary; Tumor predisposition; Hereditary Cancer Syndrome; Hereditary neoplastic syndrome. Identifiers: Orphanet 140162, MedGen C0027672, MeSH D009386, MONDO:0015356.

Submission:

Ambry Genetics
Classification: Uncertain significance for Hereditary cancer-predisposing syndrome. Last evaluated: 2017-09-29. Review status: criteria provided, single submitter. Criteria: Ambry Variant Classification Scheme 2023. Collection method: clinical testing. Allele origin: germline.
Comment: The p.R1185G variant (also known as c.3553C>G), located in coding exon 23 of the RAD50 gene, results from a C to G substitution at nucleotide position 3553. The arginine at codon 1185 is replaced by glycine, an amino acid with dissimilar properties. This amino acid position is highly conserved in available vertebrate species. In addition, this alteration is predicted to be deleterious by in silico analysis. Since supporting evidence is limited at this time, the clinical significance of this alteration remains unclear.

NM_005732.4(RAD50):c.3553C>G (p.Arg1185Gly)

Genes: TH2LCRR (T helper type 2 locus control region associated RNA; minus strand), RAD50 (RAD50 double strand break repair protein; plus strand), TH2-LCR (Th2 cytokine locus control region; plus strand). Cytogenetic location: 5q31.1.
Variant type: single nucleotide variant.
Coding change: c.3553C>G on transcript NM_005732.4 (MANE Select); coding-DNA position 3553, C replaced by G.
Protein change: p.Arg1185Gly; replaces arginine 1185 with glycine.
Molecular consequence: missense variant. On other transcripts: non-coding transcript variant (3).
Genome position (GRCh38, 1-based): chr5:132,638,158, C>G. VCF-style: chr5-132638158-C-G. GRCh37 (hg19) VCF-style: chr5-131973850-C-G.
Other names: short protein forms R1185G.
Identifiers: ClinVar variation 1732616 (VCV001732616.2), dbSNP rs778555849, ClinGen allele CA360931993.
Genomic context (GRCh38, chr5:132,638,158, plus strand): 5'-ATACGGTCTGATGCCGATGAAAATGTATCAGCTTCTGATAAAAGGCGGAATTATAACTAC[C>G]GAGTGGTGATGCTGAAGGGAGACACAGCCTTGGATATGCGAGGACGATGCAGTGCTGGAC-3'
Protein context (NP_005723.2, residues 1175-1195): ASDKRRNYNY[Arg1185Gly]VVMLKGDTAL